The following is an entry in ClinVar:

NM_172245.4(CSF2RA):c.337A>T (p.Asn113Tyr)

Gene: CSF2RA (colony stimulating factor 2 receptor subunit alpha; plus strand). Cytogenetic location: Xp22.33.
Variant type: single nucleotide variant.
Coding change: c.337A>T on transcript NM_172245.4 (MANE Select); coding-DNA position 337, A replaced by T.
Protein change: p.Asn113Tyr; replaces asparagine 113 with tyrosine.
Molecular consequence: missense variant. On other transcripts: 5 prime UTR variant (1), non-coding transcript variant (1).
Genome position (GRCh38, 1-based): chrX:1,288,636, A>T. VCF-style: chrX-1288636-A-T. GRCh37 (hg19) VCF-style: chrX-1407529-A-T.
Other names: c.337A>T, p.Asn113Tyr (NM_001161529.2, NM_001161530.2, NM_001161531.2 and 20 more transcripts); c.-63A>T (NM_001161532.2); short protein forms N113Y.
Identifiers: ClinVar variation 647316 (VCV000647316.7), dbSNP rs1603428019, ClinGen allele CA412235161.

ClinVar aggregate classification (germline): Uncertain significance (1 of 4 stars; one submission).

Conditions:
Surfactant metabolism dysfunction, pulmonary, 4 (SMDP4). Also called: PULMONARY ALVEOLAR PROTEINOSIS, CONGENITAL, 4; CSF2RA DEFICIENCY; PAP DUE TO CSF2RA DEFICIENCY. Identifiers: Orphanet 264675, MedGen C2677877, MONDO:0010424, OMIM 300770.

Allele frequency attached by ClinVar (database versions not stated): gnomAD exomes below 0.00001.
gnomAD v4.1: 2 of 1,613,962 alleles (0.00012%); highest among the groups gnomAD compares: Non-Finnish European, 0.000085%; no homozygotes.

Submission:

Labcorp Genetics (formerly Invitae), Labcorp
Classification: Uncertain significance for Surfactant metabolism dysfunction, pulmonary, 4. Last evaluated: 2018-10-04. Review status: criteria provided, single submitter. Criteria: Invitae Variant Classification Sherloc (09022015). Collection method: clinical testing. Allele origin: germline.
Comment: This variant has not been reported in the literature in individuals with CSF2RA-related disease. This variant is not present in population databases (ExAC no frequency). This sequence change replaces asparagine with tyrosine at codon 113 of the CSF2RA protein (p.Asn113Tyr). The asparagine residue is highly conserved and there is a large physicochemical difference between asparagine and tyrosine. Algorithms developed to predict the effect of missense changes on protein structure and function are either unavailable or do not agree on the potential impact of this missense change (SIFT: "Deleterious"; PolyPhen-2: "Not Available"; Align-GVGD: "Class C15"). In summary, the available evidence is currently insufficient to determine the role of this variant in disease. Therefore, it has been classified as a Variant of Uncertain Significance.